The following is an entry in ClinVar:

ClinVar aggregate classification (germline): Uncertain significance (1 of 4 stars; one submission).

Allele frequency attached by ClinVar (database versions not stated): gnomAD exomes below 0.00001.
gnomAD v4.1: 2 of 1,605,604 alleles (0.00012%); highest among the groups gnomAD compares: East Asian, 0.0023%; no homozygotes.

Submission:

Labcorp Genetics (formerly Invitae), Labcorp
Classification: Uncertain significance. Last evaluated: 2022-04-22. Review status: criteria provided, single submitter. Criteria: Invitae Variant Classification Sherloc (09022015). Collection method: clinical testing. Allele origin: germline.
Comment: This sequence change replaces arginine, which is basic and polar, with cysteine, which is neutral and slightly polar, at codon 23 of the TOP3A protein (p.Arg23Cys). In summary, the available evidence is currently insufficient to determine the role of this variant in disease. Therefore, it has been classified as a Variant of Uncertain Significance. Algorithms developed to predict the effect of missense changes on protein structure and function are either unavailable or do not agree on the potential impact of this missense change (SIFT: "Not Available"; PolyPhen-2: "Possibly Damaging"; Align-GVGD: "Not Available"). This variant has not been reported in the literature in individuals affected with TOP3A-related conditions. This variant is not present in population databases (gnomAD no frequency).

NM_004618.5(TOP3A):c.67C>T (p.Arg23Cys)

Genes: TOP3A (DNA topoisomerase III alpha; minus strand), LOC130060427 (ATAC-STARR-seq lymphoblastoid active region 11836; plus strand). Cytogenetic location: 17p11.2.
Variant type: single nucleotide variant.
Coding change: c.67C>T on transcript NM_004618.5 (MANE Select); coding-DNA position 67, C replaced by T.
Protein change: p.Arg23Cys; replaces arginine 23 with cysteine.
Molecular consequence: missense variant. On other transcripts: 5 prime UTR variant (1).
Genome position (GRCh38, 1-based): chr17:18,314,712, G>A on the plus strand (C>T on the coding strand, the complement: TOP3A is on the minus strand). VCF-style: chr17-18314712-G-A. GRCh37 (hg19) VCF-style: chr17-18218026-G-A.
Other names: c.-145C>T (NM_001320759.2); short protein forms R23C.
Identifiers: ClinVar variation 2097336 (VCV002097336.4), dbSNP rs2545637831, ClinGen allele CA398643975.